The following is an entry in ClinVar:

NM_000458.4(HNF1B):c.*701G>A

Gene: HNF1B (HNF1 homeobox B; minus strand). Cytogenetic location: 17q12.
Variant type: single nucleotide variant.
Coding change: c.*701G>A on transcript NM_000458.4 (MANE Select); 701 bases downstream of the stop codon, G replaced by A.
Molecular consequence: 3 prime UTR variant.
Genome position (GRCh38, 1-based): chr17:37,686,671, C>T on the plus strand (G>A on the coding strand, the complement: HNF1B is on the minus strand). VCF-style: chr17-37686671-C-T. GRCh37 (hg19) VCF-style: chr17-36046674-C-T.
Other names: c.*701G>A (NM_001165923.4); c.*609G>A (NM_001304286.2).
Identifiers: ClinVar variation 322931 (VCV000322931.6), dbSNP rs886052888, ClinGen allele CA10649141.

ClinVar aggregate classification (germline): Conflicting classifications of pathogenicity. Review status: criteria provided, conflicting classifications (1 of 4 stars). 2 submissions from 2 submitters: Uncertain significance (1); Likely benign (1). Last evaluated 2018-01-13.

Conditions:
Maturity-onset diabetes of the young (MODY). Also called: Maturity onset diabetes mellitus in young. Identifiers: Orphanet 552, MedGen C0342276, MONDO:0018911, HP:0004904.
Renal cysts and diabetes syndrome (RCAD). Also called: Familial hypoplastic, glomerulocystic kidney; MATURITY-ONSET DIABETES OF THE YOUNG, TYPE 5. Identifiers: Orphanet 93111, MedGen C0431693, MONDO:0007669, OMIM 137920.

Allele frequency attached by ClinVar (database versions not stated): gnomAD 0.00015; TOPMed 0.00015; gnomAD exomes 0.00016.

Submissions (2):

Illumina Laboratory Services, Illumina
Classification: Uncertain significance for Renal cysts and diabetes syndrome. Last evaluated: 2018-01-13. Review status: criteria provided, single submitter. Criteria: ICSL Variant Classification Criteria 13 December 2019. Collection method: clinical testing. Allele origin: germline.

Clinical Genomics, Uppaluri K&H Personalized Medicine Clinic
Classification: Likely benign for Maturity-onset diabetes of the young. Review status: criteria provided, single submitter. Criteria: K & H Uppaluri Personalized Medicine Clinic Variant Classification & Assertion Criteria_Updated V.1. Collection method: research. Allele origin: unknown. Inheritance: Autosomal dominant inheritance.
Comment: HNF1B gene mutations are associated with early onset diabetes and pancreatic atrophy. It is also associated with multiple renal manifestations including renal cysts, Tubulointerstitial disease, glomerulocystic disease, renal hypoplasia, hypomagnesemia. However no sufficient evidence is found to ascertain the role of this particular variant rs886052888, yet.

Literature cited by the submitters: PubMed 24897035 (cited by Clinical Genomics, Uppaluri K&H Personalized Medicine Clinic); PubMed 25536396 (cited by Clinical Genomics, Uppaluri K&H Personalized Medicine Clinic); PubMed 27615128 (cited by Clinical Genomics, Uppaluri K&H Personalized Medicine Clinic); PubMed 28215227 (cited by Clinical Genomics, Uppaluri K&H Personalized Medicine Clinic); PubMed 33434175 (cited by Clinical Genomics, Uppaluri K&H Personalized Medicine Clinic); PubMed 25741167 (cited by Clinical Genomics, Uppaluri K&H Personalized Medicine Clinic); PubMed 26340261 (cited by Clinical Genomics, Uppaluri K&H Personalized Medicine Clinic); PubMed 19639018 (cited by Clinical Genomics, Uppaluri K&H Personalized Medicine Clinic).